The following is an entry in ClinVar:

NM_001267550.2(TTN):c.11311+1345A>G

Gene: TTN (titin; minus strand). Cytogenetic location: 2q31.2.
Variant type: single nucleotide variant.
Coding change: c.11311+1345A>G on transcript NM_001267550.2 (MANE Select); 1345 bases into the intron after coding-DNA position 11311, A replaced by G.
Molecular consequence: intron variant. On other transcripts: missense variant (1).
Genome position (GRCh38, 1-based): chr2:178,751,779, T>C on the plus strand (A>G on the coding strand, the complement: TTN is on the minus strand). VCF-style: chr2-178751779-T-C. GRCh37 (hg19) VCF-style: chr2-179616506-T-C.
Other names: c.10621A>G, p.Asn3541Asp (NM_133379.5); c.10222+1345A>G (NM_003319.4); c.10798+1345A>G (NM_133437.4); c.10597+1345A>G (NM_133432.3); c.10360+1345A>G (NM_133378.4, NM_001256850.1); short protein forms N3541D.
Identifiers: ClinVar variation 2498856 (VCV002498856.28), dbSNP rs2085588317, ClinGen allele CA349667419.
Genomic context (GRCh38, chr2:178,751,779, plus strand): 5'-GATGGTGTAAATCACTCTCAGCTTTTATAATCCGACGAAGACCTGTTGGGATGGGCCGAT[T>C]GTTATGAAACCAAGTCATTTCTGGAGTTGGACAGGCAATTAATCTACATGTAAAAACAAC-3'

ClinVar aggregate classification (germline): Uncertain significance (1 of 4 stars; one submission).

Allele frequency attached by ClinVar (database versions not stated): TOPMed below 0.00001.

Submission:

CeGaT Center for Human Genetics Tuebingen
Classification: Uncertain significance. Last evaluated: 2023-02-01. Review status: criteria provided, single submitter. Criteria: CeGaT Center For Human Genetics Tuebingen Variant Classification Criteria Version 2. Collection method: clinical testing. Allele origin: germline. Affected: yes. Observed: 1 variant allele.
Comment: TTN: PM2, BP4